The following is an entry in ClinVar:

ClinVar aggregate classification (germline): Pathogenic (1 of 4 stars; one submission).

Conditions:
Hereditary breast ovarian cancer syndrome. Also called: Hereditary breast and ovarian cancer syndrome; Hereditary breast and ovarian cancer; Hereditary breast and ovarian cancer syndrome (HBOC); Breast and ovarian cancer; Hereditary breast and/or ovarian cancer syndrome; BRCA1- and BRCA2-Associated Hereditary Breast and Ovarian Cancer. Identifiers: Orphanet 145, MedGen C0677776, MeSH D061325, MONDO:0003582. Disease mechanism: loss of function.

Submission:

Labcorp Genetics (formerly Invitae), Labcorp
Classification: Pathogenic for Hereditary breast ovarian cancer syndrome. Last evaluated: 2020-06-18. Review status: criteria provided, single submitter. Criteria: Invitae Variant Classification Sherloc (09022015). Collection method: clinical testing. Allele origin: unknown.
Comment: This variant results in the deletion of exon 23 and part of exon 24 (c.8954-8_9136del) of the BRCA2 gene. It is expected to disrupt RNA splicing and likely results in an absent or disrupted protein product. This variant has not been reported in the literature in individuals with BRCA2-related conditions. ClinVar contains an entry for this variant (Variation ID: 429037). This variant disrupts the p.Glu3002 amino acid residue in BRCA2. Other variant(s) that disrupt this residue have been determined to be pathogenic (PMID: 20694749, 21947752, 22678057, 25884701, 27223485). This suggests that this residue is clinically significant, and that variants that disrupt this residue are likely to be disease-causing. Loss-of-function variants in BRCA2 are known to be pathogenic (PMID: 20104584). For these reasons, this variant has been classified as Pathogenic.

Literature cited by the submitters: PubMed 20694749; PubMed 21947752; PubMed 22678057; PubMed 25884701; PubMed 27223485; PubMed 20104584.

NC_000013.10:g.(?_32953878)_(32954161_?)del

Gene: BRCA2 (BRCA2 DNA repair associated; plus strand). Cytogenetic location: 13q13.1.
Variant type: Deletion.
Identifiers: ClinVar variation 3244189 (VCV003244189.1).